The following is an entry in ClinVar:

NM_000051.3(ATM):c.[1236-2A>T];[497-1G>A]

Variant type: CompoundHeterozygote.
Identifiers: ClinVar variation 424841 (VCV000424841.3).

ClinVar aggregate classification (germline): Uncertain significance (0 of 4 stars; one submission).

Conditions:
Ataxia-telangiectasia syndrome (AT). Also called: LOUIS-BAR SYNDROME; Cerebello-oculocutaneous telangiectasia; Immunodeficiency with ataxia telangiectasia; Ataxia-telangiectasia, complementation group D; AT, COMPLEMENTATION GROUP C; ATAXIA-TELANGIECTASIA, COMPLEMENTATION GROUP A. Identifiers: Orphanet 100, MedGen C0004135, MONDO:0008840, OMIM 208900.

Submission:

Manipal Hospitals, Manipal Hospital
Classification: Uncertain significance for Ataxia-telangiectasia syndrome. Review status: no assertion criteria provided. Collection method: clinical testing. Allele origin: germline. Affected: yes. Observed: 1 variant allele.

Literature cited by the submitters: PubMed 27884168.